The following is an entry in ClinVar:

ClinVar aggregate classification (germline): Likely pathogenic (1 of 4 stars; one submission).

Conditions:
Mucopolysaccharidosis, MPS-II (MPS2). Also called: Hunter Syndrome; IDURONATE 2-SULFATASE DEFICIENCY; Mucopolysaccharidosis Type II; Mucopolysaccharidosis type 2; Attenuated MPS (subtype; formerly known as mild MPS II); Severe MPS II. Identifiers: Orphanet 580, Orphanet 79388, MedGen C0026705, MONDO:0010674, OMIM 309900.

Submission:

Laboratory of Diagnosis and Therapy of Lysosomal Disorders, University of Padova
Classification: Likely pathogenic for Mucopolysaccharidosis, MPS-II. Last evaluated: 2024-06-07. Review status: criteria provided, single submitter. Criteria: ACMG Guidelines, 2015. Collection method: literature only. Allele origin: germline. Affected: yes. Observed: 1 variant allele.
Comment: Absent from controls (or at low frequency) in gnomAD database (PM2_Moderate), Patient’s phenotype or family history highly specific for the disease (PP4_Strong)

Classification method: ACMG Guidelines [PMID:25741868] with modifications

Literature cited by the submitters: PubMed 9875019.

NM_000202.8(IDS):c.241-10T>G

Gene: IDS (iduronate 2-sulfatase; minus strand). Cytogenetic location: Xq28.
Variant type: single nucleotide variant.
Coding change: c.241-10T>G on transcript NM_000202.8 (MANE Select); 10 bases into the intron before coding-DNA position 241, T replaced by G.
Molecular consequence: intron variant.
Genome position (GRCh38, 1-based): chrX:149,503,499, A>C on the plus strand (T>G on the coding strand, the complement: IDS is on the minus strand). VCF-style: chrX-149503499-A-C. GRCh37 (hg19) VCF-style: chrX-148585029-A-C.
Other names: c.15-54T>G (NM_001166550.4); c.241-10T>G (NM_006123.5).
Identifiers: ClinVar variation 3255623 (VCV003255623.2).